The following is an entry in ClinVar:

ClinVar aggregate classification (germline): Uncertain significance. Review status: criteria provided, multiple submitters, no conflicts (2 of 4 stars). 2 submissions from 2 submitters: Uncertain significance (2). Last evaluated 2025-09-24.

Conditions:
Pontocerebellar hypoplasia type 6 (PCH6). Identifiers: Orphanet 166073, MedGen C1969084, MONDO:0012683, OMIM 611523.

gnomAD v4.1: 3 of 1,614,188 alleles (0.00019%); highest among the groups gnomAD compares: Admixed American, 0.0017%; no homozygotes.

Submissions (2):

Genesolutions, Medical Genetics Institutes, Ho Chi Minh City, Vietnam
Classification: Uncertain significance for Pontocerebellar hypoplasia type 6. Last evaluated: 2025-09-24. Review status: criteria provided, single submitter. Criteria: ACMG Guidelines, 2015. Collection method: clinical testing. Allele origin: germline. Affected: yes.

Labcorp Genetics (formerly Invitae), Labcorp
Classification: Uncertain significance. Last evaluated: 2024-04-07. Review status: criteria provided, single submitter. Criteria: Invitae Variant Classification Sherloc (09022015). Collection method: clinical testing. Allele origin: germline.
Comment: This sequence change affects codon 491 of the RARS2 mRNA. It is a 'silent' change, meaning that it does not change the encoded amino acid sequence of the RARS2 protein. This variant is present in population databases (rs774406076, gnomAD 0.003%). This variant has not been reported in the literature in individuals affected with RARS2-related conditions. Algorithms developed to predict the effect of sequence changes on RNA splicing suggest that this variant may disrupt the consensus splice site. In summary, the available evidence is currently insufficient to determine the role of this variant in disease. Therefore, it has been classified as a Variant of Uncertain Significance.

NM_020320.5(RARS2):c.1473A>G (p.Gln491=)

Gene: RARS2 (arginyl-tRNA synthetase 2, mitochondrial; minus strand). Cytogenetic location: 6q15.
Variant type: single nucleotide variant.
Coding change: c.1473A>G on transcript NM_020320.5 (MANE Select); coding-DNA position 1473, A replaced by G.
Protein change: p.Gln491=; no amino-acid change (glutamine 491 retained).
Molecular consequence: synonymous variant. On other transcripts: non-coding transcript variant (19).
Genome position (GRCh38, 1-based): chr6:87,518,207, T>C on the plus strand (A>G on the coding strand, the complement: RARS2 is on the minus strand). VCF-style: chr6-87518207-T-C. GRCh37 (hg19) VCF-style: chr6-88227925-T-C.
Other names: c.948A>G, p.Gln316= (NM_001318785.2, NM_001350506.2, NM_001350507.2 and 4 more transcripts); c.1473A>G, p.Gln491= (NM_001350505.2).
Identifiers: ClinVar variation 3682560 (VCV003682560.3).